The following is an entry in ClinVar:

NM_005148.4(UNC119):c.437+1G>T

Gene: UNC119 (unc-119 lipid binding chaperone; minus strand). Cytogenetic location: 17q11.2.
Variant type: single nucleotide variant.
Coding change: c.437+1G>T on transcript NM_005148.4 (MANE Select); the canonical splice donor site of the intron after coding-DNA position 437, G replaced by T.
Molecular consequence: splice donor variant.
Genome position (GRCh38, 1-based): chr17:28,547,998, C>A on the plus strand (G>T on the coding strand, the complement: UNC119 is on the minus strand). VCF-style: chr17-28547998-C-A. GRCh37 (hg19) VCF-style: chr17-26875016-C-A.
Other names: c.437+1G>T (NM_054035.2); c.152+1G>T (NM_001330166.2).
Identifiers: ClinVar variation 1439811 (VCV001439811.6), dbSNP rs761866874, ClinGen allele CA398331064.

ClinVar aggregate classification (germline): Uncertain significance (1 of 4 stars; one submission).

Submission:

Labcorp Genetics (formerly Invitae), Labcorp
Classification: Uncertain significance. Last evaluated: 2023-10-03. Review status: criteria provided, single submitter. Criteria: Invitae Variant Classification Sherloc (09022015). Collection method: clinical testing. Allele origin: germline.
Comment: This sequence change affects a donor splice site in intron 3 of the UNC119 gene. It is expected to disrupt RNA splicing. Variants that disrupt the donor or acceptor splice site typically lead to a loss of protein function (PMID: 16199547), however the current clinical and genetic evidence is not sufficient to establish whether loss-of-function variants in UNC119 cause disease. This variant is not present in population databases (gnomAD no frequency). This variant has not been reported in the literature in individuals affected with UNC119-related conditions. ClinVar contains an entry for this variant (Variation ID: 1439811). Algorithms developed to predict the effect of sequence changes on RNA splicing suggest that this variant may disrupt the consensus splice site. In summary, the available evidence is currently insufficient to determine the role of this variant in disease. Therefore, it has been classified as a Variant of Uncertain Significance.

Literature cited by the submitters: PubMed 16199547.